The following is an entry in ClinVar:

ClinVar aggregate classification (germline): Benign/Likely benign. Review status: criteria provided, multiple submitters, no conflicts (2 of 4 stars). 5 submissions from 5 submitters: Benign (3); Likely benign (1). 1 of the submissions does not count toward it. Last evaluated 2026-01-27.

Conditions:
ZC4H2-related disorder. Also called: ZC4H2-related condition.
Inborn genetic diseases. Identifiers: MedGen C0950123, MeSH D030342.

Allele frequency attached by ClinVar (database versions not stated): gnomAD exomes 0.00012 and 0.00032; ExAC 0.00057; gnomAD 0.00120 and 0.00127; 1000 Genomes Project 30x 0.00125; 1000 Genomes Project 0.00132; TOPMed 0.00136; ESP Exome Variant Server 0.00170.
gnomAD v4.1: 266 of 1,208,193 alleles (0.022%); highest among the groups gnomAD compares: African/African-American, 0.41%; no homozygotes.

Submissions (5):

Labcorp Genetics (formerly Invitae), Labcorp
Classification: Benign. Last evaluated: 2026-01-27. Review status: criteria provided, single submitter. Criteria: Invitae Variant Classification Sherloc (09022015). Collection method: clinical testing. Allele origin: germline.

CeGaT Center for Human Genetics Tuebingen
Classification: Likely benign. Last evaluated: 2025-11-01. Review status: criteria provided, single submitter. Criteria: CeGaT Center For Human Genetics Tuebingen Variant Classification Criteria Version 2. Collection method: clinical testing. Allele origin: germline. Affected: yes. Observed: 1 variant allele.
Comment: ZC4H2: BP4, BS2

GeneDx
Classification: Benign. Last evaluated: 2021-04-09. Review status: criteria provided, single submitter. Criteria: GeneDx Variant Classification Process June 2021. Collection method: clinical testing. Allele origin: germline. Affected: yes.

Ambry Genetics
Classification: Benign for Inborn genetic diseases. Last evaluated: 2018-07-26. Review status: criteria provided, single submitter. Criteria: Ambry Variant Classification Scheme 2023. Collection method: clinical testing. Allele origin: germline.

PreventionGenetics, part of Exact Sciences
Classification: Likely benign for ZC4H2-related condition. Last evaluated: 2022-04-18. Review status: no assertion criteria provided. Collection method: clinical testing. Allele origin: germline. Not counted in ClinVar's aggregate classification.
Comment: This variant is classified as likely benign based on ACMG/AMP sequence variant interpretation guidelines (Richards et al. 2015 PMID: 25741868, with internal and published modifications).

NM_018684.4(ZC4H2):c.592C>A (p.Arg198=)

Gene: ZC4H2 (zinc finger C4H2-type containing; minus strand). Cytogenetic location: Xq11.2.
Variant type: single nucleotide variant.
Coding change: c.592C>A on transcript NM_018684.4 (MANE Select); coding-DNA position 592, C replaced by A.
Protein change: p.Arg198=; no amino-acid change (arginine 198 retained).
Molecular consequence: synonymous variant. On other transcripts: non-coding transcript variant (1).
Genome position (GRCh38, 1-based): chrX:64,917,866, G>T on the plus strand (C>A on the coding strand, the complement: ZC4H2 is on the minus strand). VCF-style: chrX-64917866-G-T. GRCh37 (hg19) VCF-style: chrX-64137746-G-T.
Other names: c.523C>A, p.Arg175= (NM_001178032.3, NM_001243804.2); c.429C>A, p.Thr143= (NM_001178033.3).
Identifiers: ClinVar variation 707771 (VCV000707771.21), dbSNP rs137962226, ClinGen allele CA10433368.